The following is an entry in ClinVar:

NM_025257.3(SLC44A4):c.1106T>C (p.Ile369Thr)

Gene: SLC44A4 (solute carrier family 44 member 4; minus strand). Cytogenetic location: 6p21.33.
Variant type: single nucleotide variant.
Coding change: c.1106T>C on transcript NM_025257.3 (MANE Select); coding-DNA position 1106, T replaced by C.
Protein change: p.Ile369Thr; replaces isoleucine 369 with threonine.
Molecular consequence: missense variant.
Genome position (GRCh38, 1-based): chr6:31,869,569, A>G on the plus strand (T>C on the coding strand, the complement: SLC44A4 is on the minus strand). VCF-style: chr6-31869569-A-G. GRCh37 (hg19) VCF-style: chr6-31837346-A-G.
Other names: c.980T>C, p.Ile327Thr (NM_001178044.2); c.878T>C, p.Ile293Thr (NM_001178045.2); short protein forms I327T, I369T, I293T.
Identifiers: ClinVar variation 4982964 (VCV004982964.1).
Genomic context (GRCh38, chr6:31,869,569, plus strand): 5'-ACTCCAAGAGTGGCTGGCTGCGTGGGCAGAGGATACAGAGCAGTCATGGCCCAGTAGGCA[A>G]TGCAGATGAGGAGGAGGACAAAGGTGACCAGTGGGTAGAACATGGTAGACATCATCTGTC-3'
Protein context (NP_079533.2, residues 359-379): LVTFVLLLIC[Ile369Thr]AYWAMTALYL

ClinVar aggregate classification (germline): Uncertain significance (1 of 4 stars; one submission).

Conditions:
SLC44A4-related disorder. Also called: SLC44A4-related condition.

gnomAD v4.1: 1 of 1,606,048 alleles (0.000062%); highest among the groups gnomAD compares: Non-Finnish European, 0.000085%; no homozygotes.

Submission:

PreventionGenetics, part of Exact Sciences
Classification: Uncertain significance for SLC44A4-related condition. Last evaluated: 2025-10-05. Review status: criteria provided, single submitter. Criteria: ACMG Guidelines, 2015. Collection method: clinical testing. Allele origin: germline.
Comment: The SLC44A4 c.1106T>C variant is predicted to result in the amino acid substitution p.Ile369Thr. To our knowledge, this variant has not been reported in the literature or in a large population database (gnomAD), indicating this variant is rare. At this time, the clinical significance of this variant is uncertain due to the absence of conclusive functional and genetic evidence.